The following is an entry in ClinVar:

ClinVar aggregate classification (germline): Uncertain significance. Review status: criteria provided, multiple submitters, no conflicts (2 of 4 stars). 3 submissions from 3 submitters: Uncertain significance (3). Last evaluated 2025-02-19.

Conditions:
Inborn genetic diseases. Identifiers: MedGen C0950123, MeSH D030342.
Nephronophthisis 15 (NPHP15). Identifiers: Orphanet 3156, MedGen C3541853, MONDO:0013917, OMIM 614845.

Allele frequency attached by ClinVar (database versions not stated): gnomAD 0.00001; TOPMed 0.00001; gnomAD exomes 0.00002.
gnomAD v4.1: 38 of 1,572,208 alleles (0.0024%); highest among the groups gnomAD compares: Non-Finnish European, 0.003%; no homozygotes.

Submissions (3):

Ambry Genetics
Classification: Uncertain significance for Inborn genetic diseases. Last evaluated: 2025-02-19. Review status: criteria provided, single submitter. Criteria: Ambry Variant Classification Scheme 2023. Collection method: clinical testing. Allele origin: germline.

Labcorp Genetics (formerly Invitae), Labcorp
Classification: Uncertain significance for Nephronophthisis 15. Last evaluated: 2022-08-15. Review status: criteria provided, single submitter. Criteria: Invitae Variant Classification Sherloc (09022015). Collection method: clinical testing. Allele origin: germline.
Comment: In summary, the available evidence is currently insufficient to determine the role of this variant in disease. Therefore, it has been classified as a Variant of Uncertain Significance. Algorithms developed to predict the effect of missense changes on protein structure and function (SIFT, PolyPhen-2, Align-GVGD) all suggest that this variant is likely to be tolerated. ClinVar contains an entry for this variant (Variation ID: 842347). This variant has not been reported in the literature in individuals affected with CEP164-related conditions. The frequency data for this variant in the population databases is considered unreliable, as metrics indicate poor data quality at this position in the gnomAD database. This sequence change replaces tyrosine, which is neutral and polar, with cysteine, which is neutral and slightly polar, at codon 1315 of the CEP164 protein (p.Tyr1315Cys).

Blueprint Genetics
Classification: Uncertain significance. Last evaluated: 2018-10-27. Review status: criteria provided, single submitter. Criteria: ACMG Guidelines, 2015. Collection method: clinical testing. Allele origin: germline.

NM_014956.5(CEP164):c.3944A>G (p.Tyr1315Cys)

Gene: CEP164 (centrosomal protein 164; plus strand). Cytogenetic location: 11q23.3.
Variant type: single nucleotide variant.
Coding change: c.3944A>G on transcript NM_014956.5 (MANE Select); coding-DNA position 3944, A replaced by G.
Protein change: p.Tyr1315Cys; replaces tyrosine 1315 with cysteine.
Molecular consequence: missense variant.
Genome position (GRCh38, 1-based): chr11:117,409,813, A>G. VCF-style: chr11-117409813-A-G. GRCh37 (hg19) VCF-style: chr11-117280529-A-G.
Other names: c.3929A>G, p.Tyr1310Cys (NM_001271933.2); short protein forms Y1315C, Y1310C.
Identifiers: ClinVar variation 842347 (VCV000842347.10), dbSNP rs1171979946, ClinGen allele CA382744453.